The following is an entry in ClinVar:

ClinVar aggregate classification (germline): Likely benign. Review status: criteria provided, multiple submitters, no conflicts (2 of 4 stars). 3 submissions from 3 submitters: Likely benign (3). Last evaluated 2025-12-03.

Conditions:
CACNA1F-related disorder. Also called: CACNA1F-related condition.

Allele frequency attached by ClinVar (database versions not stated): gnomAD exomes 0.00036; ExAC 0.00042; TOPMed 0.00049; gnomAD 0.00056 and 0.00060; ESP Exome Variant Server 0.00105.
gnomAD v4.1: 809 of 1,176,199 alleles (0.069%); highest among the groups gnomAD compares: Non-Finnish European, 0.088%; no homozygotes.

Submissions (3):

Labcorp Genetics (formerly Invitae), Labcorp
Classification: Likely benign. Last evaluated: 2025-12-03. Review status: criteria provided, single submitter. Criteria: Invitae Variant Classification Sherloc (09022015). Collection method: clinical testing. Allele origin: germline.

PreventionGenetics, part of Exact Sciences
Classification: Likely benign for CACNA1F-related condition. Last evaluated: 2025-01-15. Review status: criteria provided, single submitter. Criteria: ACMG Guidelines, 2015. Collection method: clinical testing. Allele origin: germline.
Comment: This variant is classified as likely benign based on ACMG/AMP sequence variant interpretation guidelines (Richards et al. 2015 PMID: 25741868, with internal and published modifications).

Blueprint Genetics
Classification: Likely benign. Last evaluated: 2024-11-27. Review status: criteria provided, single submitter. Criteria: ACMG Guidelines, 2015. Collection method: clinical testing. Allele origin: germline.

NM_001256789.3(CACNA1F):c.1286T>C (p.Leu429Pro)

Gene: CACNA1F (calcium voltage-gated channel subunit alpha1 F; minus strand). Cytogenetic location: Xp11.23.
Variant type: single nucleotide variant.
Coding change: c.1286T>C on transcript NM_001256789.3 (MANE Select); coding-DNA position 1286, T replaced by C.
Protein change: p.Leu429Pro; replaces leucine 429 with proline.
Molecular consequence: missense variant.
Genome position (GRCh38, 1-based): chrX:49,226,693, A>G on the plus strand (T>C on the coding strand, the complement: CACNA1F is on the minus strand). VCF-style: chrX-49226693-A-G. GRCh37 (hg19) VCF-style: chrX-49083155-A-G.
Other names: c.1319T>C (NM_005183.3); c.1124T>C, p.Leu375Pro (NM_001256790.3); c.1319T>C, p.Leu440Pro (NM_005183.4); short protein forms L375P, L429P, L440P.
Identifiers: ClinVar variation 1117428 (VCV001117428.11), dbSNP rs141155959, ClinGen allele CA10410903.
Genomic context (GRCh38, chrX:49,226,693, plus strand): 5'-GAGCGAGTAGAATGACTGAACCAGCGCAGACGTCCACGCCTCCTATTGGTCAGCTCGGCC[A>G]GCTGTGGCCCTGCAGGGAGAGAAAGGACAATTAGGGAGGACATACTGGGGGCAGGGTTAG-3'
Protein context (NP_001243718.1, residues 419-439): PSADDNLGPQ[Leu429Pro]AELTNRRRGR